The following is an entry in ClinVar:

NM_001739.2(CA5A):c.38C>T (p.Ser13Phe)

Gene: CA5A (carbonic anhydrase 5A; minus strand). Cytogenetic location: 16q24.2.
Variant type: single nucleotide variant.
Coding change: c.38C>T on transcript NM_001739.2 (MANE Select); coding-DNA position 38, C replaced by T.
Protein change: p.Ser13Phe; replaces serine 13 with phenylalanine.
Molecular consequence: missense variant. On other transcripts: non-coding transcript variant (2).
Genome position (GRCh38, 1-based): chr16:87,936,413, G>A on the plus strand (C>T on the coding strand, the complement: CA5A is on the minus strand). VCF-style: chr16-87936413-G-A. GRCh37 (hg19) VCF-style: chr16-87970019-G-A.
Other names: c.38C>T, p.Ser13Phe (NM_001367225.1); short protein forms S13F.
Identifiers: ClinVar variation 1510741 (VCV001510741.3), dbSNP rs200005306, ClinGen allele CA8223653.

ClinVar aggregate classification (germline): Uncertain significance (1 of 4 stars; one submission).

Conditions:
Hyperammonemic encephalopathy due to carbonic anhydrase VA deficiency. Also called: Carbonic Anhydrase VA Deficiency; Carbonic anhydrase VA deficiency, hyperammonemia due to. Identifiers: Orphanet 401948, MedGen C4706871, MONDO:0014332, OMIM 615751.

Allele frequency attached by ClinVar (database versions not stated): gnomAD 0.00004 and 0.00011; 1000 Genomes Project 30x 0.00016; gnomAD exomes 0.00016 and 0.00029; TOPMed 0.00005; 1000 Genomes Project 0.00020; ExAC 0.00040.
gnomAD v4.1: 249 of 1,614,050 alleles (0.015%); highest among the groups gnomAD compares: South Asian, 0.16%; 2 homozygotes.

Submission:

Labcorp Genetics (formerly Invitae), Labcorp
Classification: Uncertain significance for Hyperammonemic encephalopathy due to carbonic anhydrase VA deficiency. Last evaluated: 2022-03-13. Review status: criteria provided, single submitter. Criteria: Invitae Variant Classification Sherloc (09022015). Collection method: clinical testing. Allele origin: germline.
Comment: This sequence change replaces serine, which is neutral and polar, with phenylalanine, which is neutral and non-polar, at codon 13 of the CA5A protein (p.Ser13Phe). This variant is present in population databases (rs200005306, gnomAD 0.2%). This variant has not been reported in the literature in individuals affected with CA5A-related conditions. Algorithms developed to predict the effect of missense changes on protein structure and function (SIFT, PolyPhen-2, Align-GVGD) all suggest that this variant is likely to be tolerated. In summary, the available evidence is currently insufficient to determine the role of this variant in disease. Therefore, it has been classified as a Variant of Uncertain Significance.